The following is an entry in ClinVar:

NM_001354604.2(MITF):c.1412A>T (p.Tyr471Phe)

Gene: MITF (melanocyte inducing transcription factor; plus strand). Cytogenetic location: 3p13.
Variant type: single nucleotide variant.
Coding change: c.1412A>T on transcript NM_001354604.2 (MANE Select); coding-DNA position 1412, A replaced by T.
Protein change: p.Tyr471Phe; replaces tyrosine 471 with phenylalanine.
Molecular consequence: missense variant.
Genome position (GRCh38, 1-based): chr3:69,965,079, A>T. VCF-style: chr3-69965079-A-T. GRCh37 (hg19) VCF-style: chr3-70014230-A-T.
Other names: c.1091A>T, p.Tyr364Phe (NM_000248.4); c.1238A>T, p.Tyr413Phe (NM_001184967.2, NM_001354608.2); c.1409A>T, p.Tyr470Phe (NM_001354605.2); c.1391A>T, p.Tyr464Phe (NM_001354606.2, NM_006722.3); c.1343A>T, p.Tyr448Phe (NM_001354607.2); c.1073A>T, p.Tyr358Phe (NM_198158.3); c.1394A>T, p.Tyr465Phe (NM_198159.3); c.1346A>T, p.Tyr449Phe (NM_198177.3); and 1 more; short protein forms Y302F, Y358F, Y364F, Y413F, Y448F, Y449F, Y464F, Y465F.
Identifiers: ClinVar variation 667264 (VCV000667264.14), dbSNP rs145325518, ClinGen allele CA2490664.

ClinVar aggregate classification (germline): Conflicting classifications of pathogenicity. Review status: criteria provided, conflicting classifications (1 of 4 stars). 6 submissions from 6 submitters: Uncertain significance (4); Likely benign (2). Last evaluated 2026-01-27.

Conditions:
MITF-related disorder. Also called: MITF-related condition.
Waardenburg syndrome type 2A (WS2A). Also called: WAARDENBURG SYNDROME WITHOUT DYSTOPIA CANTHORUM. Identifiers: Orphanet 3440, MedGen C1860339, MONDO:0008671, OMIM 193510.
Tietz syndrome (TADS). Also called: ALBINISM-DEAFNESS OF TIETZ; TIETZ ALBINISM-DEAFNESS SYNDROME; HYPOPIGMENTATION/DEAFNESS OF TIETZ. Identifiers: Orphanet 42665, MedGen C0391816, MONDO:0007077, OMIM 103500.
Melanoma, cutaneous malignant, susceptibility to, 8. Also called: MELANOMA AND RENAL CELL CARCINOMA, SUSCEPTIBILITY TO; Cutaneous malignant melanoma 8. Identifiers: Orphanet 293822, MedGen C3152204, MONDO:0013759, OMIM 614456.
Hereditary cancer-predisposing syndrome. Also called: Tumor predisposition; Hereditary neoplastic syndrome; Neoplastic Syndromes, Hereditary; Hereditary Cancer Syndrome. Identifiers: Orphanet 140162, MedGen C0027672, MeSH D009386, MONDO:0015356.

Allele frequency attached by ClinVar (database versions not stated): gnomAD exomes 0.00006; gnomAD 0.00022; ESP Exome Variant Server 0.00023; TOPMed 0.00025.
gnomAD v4.1: 63 of 1,614,022 alleles (0.0039%); highest among the groups gnomAD compares: African/African-American, 0.076%; no homozygotes.

Submissions (6):

Labcorp Genetics (formerly Invitae), Labcorp
Classification: Likely benign for Melanoma, cutaneous malignant, susceptibility to, 8; Waardenburg syndrome type 2A; Tietz syndrome. Last evaluated: 2026-01-27. Review status: criteria provided, single submitter. Criteria: Invitae Variant Classification Sherloc (09022015). Collection method: clinical testing. Allele origin: germline.

Ambry Genetics
Classification: Uncertain significance for Hereditary cancer-predisposing syndrome. Last evaluated: 2024-11-18. Review status: criteria provided, single submitter. Criteria: Ambry Variant Classification Scheme 2023. Collection method: clinical testing. Allele origin: germline.
Comment: The p.Y364F variant (also known as c.1091A>T), located in coding exon 9 of the MITF gene, results from an A to T substitution at nucleotide position 1091. The tyrosine at codon 364 is replaced by phenylalanine, an amino acid with highly similar properties. This amino acid position is conserved. In addition, this alteration is predicted to be tolerated by in silico analysis. Based on the available evidence, the clinical significance of this variant remains unclear.

St. Jude Molecular Pathology, St. Jude Children's Research Hospital
Classification: Uncertain significance for Melanoma, cutaneous malignant, susceptibility to, 8. Last evaluated: 2024-05-24. Review status: criteria provided, single submitter. Criteria: St. Jude Assertion Criteria 2020. Collection method: clinical testing. Allele origin: germline.
Comment: The MITF c.1394A>T (p.Tyr465Phe) missense change has a maximum subpopulation frequency of 0.088% in gnomAD v2.1.1. The in silico tool REVEL predicts a benign effect on protein function, but to our knowledge this prediction has not been confirmed by functional studies. To our knowledge, this variant has not been reported in individuals with melanoma and renal cell carcinoma. In summary, the evidence currently available is insufficient to determine the clinical significance of this variant. It has therefore been classified as of uncertain significance.

PreventionGenetics, part of Exact Sciences
Classification: Uncertain significance for MITF-related condition. Last evaluated: 2022-09-12. Review status: criteria provided, single submitter. Criteria: ACMG Guidelines, 2015. Collection method: clinical testing. Allele origin: germline.
Comment: The MITF c.1091A>T variant is predicted to result in the amino acid substitution p.Tyr364Phe. To our knowledge, this variant has not been reported in the literature. This variant is reported in 0.088% of alleles in individuals of African descent in gnomAD and has conflicting interpretations regarding its pathogenicity in ClinVar, ranging from likely benign to uncertain. Although we suspect this variant may possibly be benign, at this time its clinical significance is uncertain due to the absence of conclusive functional and genetic evidence.

Laboratory for Molecular Medicine, Mass General Brigham Personalized Medicine
Classification: Uncertain significance. Last evaluated: 2021-02-25. Review status: criteria provided, single submitter. Criteria: LMM Criteria. Collection method: clinical testing. Allele origin: germline. Observed: 2 variant alleles.
Comment: Variant classified as Uncertain Significance - Favor Benign. The p.Tyr465Phe variant in MITF has not been previously reported in individuals with hearing loss or Waardenburg syndrome, but has been identified in 0.088% (22/24974) of African chromosomes by gnomAD (dbSNP rs14532518). Although this variant has been seen in the general population, its frequency is not high enough to rule out a pathogenic role. Computational prediction tools and conservation analysis suggest that the p.Tyr465Phe variant may not impact the protein, though this information is not predictive enough to rule out pathogenicity. Three species (tetraodon, fugu, yellowbelly pufferfish) carry a Phe at this position despite high nearby amino acid conservation. In summary, while the clinical significance of this variant is uncertain, these data suggest that it is more likely to be benign. ACMG/AMP Criteria applied: BP4

GeneDx
Classification: Likely benign. Last evaluated: 2020-08-27. Review status: criteria provided, single submitter. Criteria: GeneDx Variant Classification Process June 2021. Collection method: clinical testing. Allele origin: germline. Affected: yes.
Comment: In silico analysis supports that this missense variant does not alter protein structure/function; Has not been previously published as pathogenic or benign to our knowledge